The following is an entry in ClinVar:

NM_001903.5(CTNNA1):c.2011-4A>G

Gene: CTNNA1 (catenin alpha 1; plus strand). Cytogenetic location: 5q31.2.
Variant type: single nucleotide variant.
Coding change: c.2011-4A>G on transcript NM_001903.5 (MANE Select); 4 bases into the intron before coding-DNA position 2011, A replaced by G.
Molecular consequence: intron variant.
Genome position (GRCh38, 1-based): chr5:138,930,469, A>G. VCF-style: chr5-138930469-A-G. GRCh37 (hg19) VCF-style: chr5-138266158-A-G.
Other names: c.2011-4A>G (NM_001323982.2, NM_001323984.2, NM_001290307.3 and 2 more transcripts); c.1918-4A>G (NM_001323986.2); c.1642-4A>G (NM_001290310.3); c.1702-4A>G (NM_001290309.3); c.901-4A>G (NM_001323996.1, NM_001323993.1, NM_001324005.1 and 17 more transcripts); c.562-4A>G (NM_001324007.1, NM_001324009.1, NM_001324006.1 and 2 more transcripts); c.658-4A>G (NM_001324013.1, NM_001324012.1); c.808-4A>G (NM_001324011.1).
Identifiers: ClinVar variation 1107791 (VCV001107791.12), dbSNP rs767960624, ClinGen allele CA3432105.

ClinVar aggregate classification (germline): Likely benign. Review status: criteria provided, multiple submitters, no conflicts (2 of 4 stars). 3 submissions from 3 submitters: Likely benign (3). Last evaluated 2025-12-24.

Conditions:
Hereditary diffuse gastric adenocarcinoma (HDGC). Also called: DIFFUSE GASTRIC AND LOBULAR BREAST CANCER SYNDROME. Identifiers: Orphanet 26106, MedGen C1708349, MONDO:0007648, OMIM 137215.
Hereditary cancer-predisposing syndrome. Also called: Hereditary neoplastic syndrome; Tumor predisposition; Neoplastic Syndromes, Hereditary; Hereditary Cancer Syndrome. Identifiers: Orphanet 140162, MedGen C0027672, MeSH D009386, MONDO:0015356.

Allele frequency attached by ClinVar (database versions not stated): gnomAD exomes below 0.00001; ExAC 0.00001.
gnomAD v4.1: 1 of 1,605,750 alleles (0.000062%); highest among the groups gnomAD compares: East Asian, 0.0022%; no homozygotes.

Submissions (3):

Labcorp Genetics (formerly Invitae), Labcorp
Classification: Likely benign. Last evaluated: 2025-12-24. Review status: criteria provided, single submitter. Criteria: Invitae Variant Classification Sherloc (09022015). Collection method: clinical testing. Allele origin: germline.

Myriad Genetics, Inc.
Classification: Likely benign for Hereditary diffuse gastric adenocarcinoma. Last evaluated: 2024-10-14. Review status: criteria provided, single submitter. Criteria: Myriad Autosomal Dominant, Autosomal Recessive and X-Linked Classification Criteria (2023). Collection method: clinical testing. Allele origin: unknown.
Comment: This variant is considered likely benign. This variant is intronic and is not expected to impact mRNA splicing.

Ambry Genetics
Classification: Likely benign for Hereditary cancer-predisposing syndrome. Last evaluated: 2023-03-29. Review status: criteria provided, single submitter. Criteria: Ambry Variant Classification Scheme 2023. Collection method: clinical testing. Allele origin: germline.